The following is an entry in ClinVar:

ClinVar aggregate classification (germline): Uncertain significance (1 of 4 stars; one submission).

Conditions:
Bardet-Biedl syndrome (BBS). Identifiers: Orphanet 110, MedGen C0752166, MONDO:0015229.

Submission:

Labcorp Genetics (formerly Invitae), Labcorp
Classification: Uncertain significance for Bardet-Biedl syndrome. Last evaluated: 2022-07-30. Review status: criteria provided, single submitter. Criteria: Invitae Variant Classification Sherloc (09022015). Collection method: clinical testing. Allele origin: germline.
Comment: This variant is not present in population databases (gnomAD no frequency). This sequence change replaces isoleucine, which is neutral and non-polar, with threonine, which is neutral and polar, at codon 152 of the BBS9 protein (p.Ile152Thr). This variant has not been reported in the literature in individuals affected with BBS9-related conditions. In summary, the available evidence is currently insufficient to determine the role of this variant in disease. Therefore, it has been classified as a Variant of Uncertain Significance. Algorithms developed to predict the effect of missense changes on protein structure and function (SIFT, PolyPhen-2, Align-GVGD) all suggest that this variant is likely to be disruptive.

NM_198428.3(BBS9):c.455T>C (p.Ile152Thr)

Gene: BBS9 (Bardet-Biedl syndrome 9; plus strand). Cytogenetic location: 7p14.3.
Variant type: single nucleotide variant.
Coding change: c.455T>C on transcript NM_198428.3 (MANE Select); coding-DNA position 455, T replaced by C.
Protein change: p.Ile152Thr; replaces isoleucine 152 with threonine.
Molecular consequence: missense variant. On other transcripts: non-coding transcript variant (3).
Genome position (GRCh38, 1-based): chr7:33,257,248, T>C. VCF-style: chr7-33257248-T-C. GRCh37 (hg19) VCF-style: chr7-33296860-T-C.
Other names: c.455T>C, p.Ile152Thr (NM_001033604.2, NM_001033605.2, NM_001348036.1 and 7 more transcripts); c.89T>C, p.Ile30Thr (NM_001348037.3, NM_001348044.3, NM_001348045.3 and 1 more transcripts); c.182T>C, p.Ile61Thr (NM_001348038.3, NM_001348039.3); c.320T>C, p.Ile107Thr (NM_001348042.3); short protein forms I107T, I152T, I30T, I61T.
Identifiers: ClinVar variation 1714514 (VCV001714514.5), dbSNP rs2534999200, ClinGen allele CA367252702.